The following is an entry in ClinVar:

NM_000057.4(BLM):c.3671A>C (p.Glu1224Ala)

Gene: BLM (BLM RecQ like helicase; plus strand). Cytogenetic location: 15q26.1.
Variant type: single nucleotide variant.
Coding change: c.3671A>C on transcript NM_000057.4 (MANE Select); coding-DNA position 3671, A replaced by C.
Protein change: p.Glu1224Ala; replaces glutamic acid 1224 with alanine.
Molecular consequence: missense variant. On other transcripts: intron variant (1).
Genome position (GRCh38, 1-based): chr15:90,804,279, A>C. VCF-style: chr15-90804279-A-C. GRCh37 (hg19) VCF-style: chr15-91347509-A-C.
Other names: c.3671A>C, p.Glu1224Ala (NM_001287246.2); c.2546A>C, p.Glu849Ala (NM_001287248.2); c.3359-4858A>C (NM_001287247.2); c.3671A>C (NM_000057.2); short protein forms E849A, E1224A.
Identifiers: ClinVar variation 644037 (VCV000644037.12), dbSNP rs1596268259, ClinGen allele CA393848130.
Genomic context (GRCh38, chr15:90,804,279, plus strand): 5'-TAGTAGCAAAAGTGTCTCAGAGGGAAGAGATGGTTAAAAAATGTCTTGGAGAACTTACAG[A>C]AGTCTGCAAATCTCTGGGGAAAGTTTTTGGTGTCCATTACTTCAATATTTTTAATACCGT-3'
Protein context (NP_000048.1, residues 1214-1234): MVKKCLGELT[Glu1224Ala]VCKSLGKVFG

ClinVar aggregate classification (germline): Uncertain significance. Review status: criteria provided, multiple submitters, no conflicts (2 of 4 stars). 2 submissions from 2 submitters: Uncertain significance (2). Last evaluated 2025-06-24.

Conditions:
Bloom syndrome (BLM). Also called: Bloom-Torre-Machacek syndrome. Identifiers: Orphanet 125, MedGen C0005859, MONDO:0008876, OMIM 210900.
Hereditary cancer-predisposing syndrome. Also called: Neoplastic Syndromes, Hereditary; Tumor predisposition; Hereditary neoplastic syndrome; Hereditary Cancer Syndrome. Identifiers: Orphanet 140162, MedGen C0027672, MeSH D009386, MONDO:0015356.

Submissions (2):

Ambry Genetics
Classification: Uncertain significance for Hereditary cancer-predisposing syndrome. Last evaluated: 2025-06-24. Review status: criteria provided, single submitter. Criteria: Ambry Variant Classification Scheme 2023. Collection method: clinical testing. Allele origin: germline.
Comment: The p.E1224A variant (also known as c.3671A>C), located in coding exon 18 of the BLM gene, results from an A to C substitution at nucleotide position 3671. The glutamic acid at codon 1224 is replaced by alanine, an amino acid with dissimilar properties. This amino acid position is conserved. In addition, this alteration is predicted to be tolerated by in silico analysis. Based on the available evidence, the clinical significance of this variant remains unclear.

Labcorp Genetics (formerly Invitae), Labcorp
Classification: Uncertain significance for Bloom syndrome. Last evaluated: 2022-03-23. Review status: criteria provided, single submitter. Criteria: Invitae Variant Classification Sherloc (09022015). Collection method: clinical testing. Allele origin: germline.
Comment: In summary, the available evidence is currently insufficient to determine the role of this variant in disease. Therefore, it has been classified as a Variant of Uncertain Significance. Algorithms developed to predict the effect of missense changes on protein structure and function (SIFT, PolyPhen-2, Align-GVGD) all suggest that this variant is likely to be tolerated. ClinVar contains an entry for this variant (Variation ID: 644037). This variant has not been reported in the literature in individuals affected with BLM-related conditions. This variant is not present in population databases (gnomAD no frequency). This sequence change replaces glutamic acid, which is acidic and polar, with alanine, which is neutral and non-polar, at codon 1224 of the BLM protein (p.Glu1224Ala).